The following is an entry in ClinVar:

NM_001010874.5(TECRL):c.287-5A>C

Gene: TECRL (trans-2,3-enoyl-CoA reductase like; minus strand). Cytogenetic location: 4q13.1.
Variant type: single nucleotide variant.
Coding change: c.287-5A>C on transcript NM_001010874.5 (MANE Select); 5 bases into the intron before coding-DNA position 287, A replaced by C.
Molecular consequence: intron variant.
Genome position (GRCh38, 1-based): chr4:64,328,561, T>G on the plus strand (A>C on the coding strand, the complement: TECRL is on the minus strand). VCF-style: chr4-64328561-T-G. GRCh37 (hg19) VCF-style: chr4-65194279-T-G.
Other names: c.287-5A>C (NM_001363796.1).
Identifiers: ClinVar variation 1797089 (VCV001797089.3), dbSNP rs374491785, ClinGen allele CA2935612.
Genomic context (GRCh38, chr4:64,328,561, plus strand): 5'-ATGCTTCTTACCACATTCTAGCTGCAGACCAACTCGAGAAGGGTACCACTTTGGACCTAT[T>G]CAATGAAAAATAACATTTAATTGTCAGAAAAAGTGTAACTATAGCTTATAAAACTAACTG-3'

ClinVar aggregate classification (germline): Uncertain significance (1 of 4 stars; one submission).

Conditions:
Cardiovascular phenotype. Identifiers: MedGen CN230736.

Allele frequency attached by ClinVar (database versions not stated): gnomAD 0.00005; ExAC 0.00007; TOPMed 0.00008; gnomAD exomes 0.00012; ESP Exome Variant Server 0.00031.
gnomAD v4.1: 180 of 1,608,458 alleles (0.011%); highest among the groups gnomAD compares: Non-Finnish European, 0.014%; no homozygotes.

Submission:

Ambry Genetics
Classification: Uncertain significance for Cardiovascular phenotype. Last evaluated: 2024-09-03. Review status: criteria provided, single submitter. Criteria: Ambry Variant Classification Scheme 2023. Collection method: clinical testing. Allele origin: germline.
Comment: The c.287-5A>C intronic variant results from an A to C substitution 5 nucleotides upstream from coding exon 3 in the TECRL gene. This nucleotide position is not well conserved in available vertebrate species. In silico splice site analysis predicts that this alteration will not have any significant effect on splicing. Since supporting evidence is limited at this time, the clinical significance of this alteration remains unclear.